The following is an entry in ClinVar:

NM_019098.5(CNGB3):c.1340C>A (p.Ala447Glu)

Gene: CNGB3 (cyclic nucleotide gated channel subunit beta 3; minus strand). Cytogenetic location: 8q21.3.
Variant type: single nucleotide variant.
Coding change: c.1340C>A on transcript NM_019098.5 (MANE Select); coding-DNA position 1340, C replaced by A.
Protein change: p.Ala447Glu; replaces alanine 447 with glutamic acid.
Molecular consequence: missense variant.
Genome position (GRCh38, 1-based): chr8:86,629,059, G>T on the plus strand (C>A on the coding strand, the complement: CNGB3 is on the minus strand). VCF-style: chr8-86629059-G-T. GRCh37 (hg19) VCF-style: chr8-87641287-G-T.
Other names: short protein forms A447E.
Identifiers: ClinVar variation 1443562 (VCV001443562.8), dbSNP rs533560246, ClinGen allele CA4800047.

ClinVar aggregate classification (germline): Uncertain significance (1 of 4 stars; one submission).

Allele frequency attached by ClinVar (database versions not stated): gnomAD exomes below 0.00001; TOPMed below 0.00001; ExAC 0.00001; gnomAD 0.00001; 1000 Genomes Project 0.00020; 1000 Genomes Project 30x 0.00031.
gnomAD v4.1: 1 of 1,613,882 alleles (0.000062%); highest among the groups gnomAD compares: African/African-American, 0.0013%; no homozygotes.

Submission:

Labcorp Genetics (formerly Invitae), Labcorp
Classification: Uncertain significance. Last evaluated: 2023-10-16. Review status: criteria provided, single submitter. Criteria: Invitae Variant Classification Sherloc (09022015). Collection method: clinical testing. Allele origin: germline.
Comment: This sequence change replaces alanine, which is neutral and non-polar, with glutamic acid, which is acidic and polar, at codon 447 of the CNGB3 protein (p.Ala447Glu). This variant is present in population databases (rs533560246, gnomAD 0.007%). This variant has not been reported in the literature in individuals affected with CNGB3-related conditions. ClinVar contains an entry for this variant (Variation ID: 1443562). Advanced modeling of protein sequence and biophysical properties (such as structural, functional, and spatial information, amino acid conservation, physicochemical variation, residue mobility, and thermodynamic stability) has been performed at Invitae for this missense variant, however the output from this modeling did not meet the statistical confidence thresholds required to predict the impact of this variant on CNGB3 protein function. In summary, the available evidence is currently insufficient to determine the role of this variant in disease. Therefore, it has been classified as a Variant of Uncertain Significance.